The following is an entry in ClinVar:

ClinVar aggregate classification (germline): Likely pathogenic (3 of 4 stars; one submission).

Conditions:
Bernard Soulier syndrome (BSS). Also called: GLYCOPROTEIN Ib, PLATELET, DEFICIENCY OF; PLATELET GLYCOPROTEIN Ib DEFICIENCY; VON WILLEBRAND FACTOR RECEPTOR DEFICIENCY; Giant platelet syndrome; Hemorrhagiparous thrombocytic dystrophy; Giant platelet disease. Identifiers: Orphanet 274, MedGen C0005129, MeSH D001606, MONDO:0009276, OMIM 231200.

Submission:

ClinGen Platelet Disorders Variant Curation Expert Panel, ClinGen
Classification: Likely pathogenic for Bernard Soulier syndrome. Last evaluated: 2025-02-18. Review status: reviewed by expert panel. Criteria: ClinGen Platelet ACMG Specifications GP1BB V1.0.0. Collection method: curation. Allele origin: germline. Inheritance: Autosomal recessive inheritance.
Comment: Additionally, the variant is absent from gnomAD v4.1 and is predicted to have a deleterious effect (REVEL score of 0.853; PP3_Moderate). In summary, this variant meets the criteria to be classified as likely pathogenic for autosomal recessive Bernard-Soulier syndrome based on the ACMG/AMP criteria applied, as specified by the ClinGen PD VCEP: PM2_Supporting, PP3_Moderate, PP4_moderate, and PM3_supporting. (VCEP specifications version 1)

NM_000407.5(GP1BB):c.269C>G (p.Pro90Arg)

Genes: GP1BB (glycoprotein Ib platelet subunit beta; plus strand), SEPT5-GP1BB (SEPT5-GP1BB readthrough; plus strand). Cytogenetic location: 22q11.21.
Variant type: single nucleotide variant.
Coding change: c.269C>G on transcript NM_000407.5 (MANE Select); coding-DNA position 269, C replaced by G.
Protein change: p.Pro90Arg; replaces proline 90 with arginine.
Molecular consequence: missense variant. On other transcripts: non-coding transcript variant (2).
Genome position (GRCh38, 1-based): chr22:19,724,112, C>G. VCF-style: chr22-19724112-C-G. GRCh37 (hg19) VCF-style: chr22-19711635-C-G.
Other names: NM_000407.5:c.269C>G; short protein forms P90R.
Identifiers: ClinVar variation 3775056 (VCV003775056.1).
Genomic context (GRCh38, chr22:19,724,112, plus strand): 5'-TGCCGCCGGGGCTGCTGGACGCGCTGCCCGCGCTGCGCACCGCACACCTGGGCGCCAACC[C>G]CTGGCGCTGCGACTGCCGCCTTGTGCCGCTGCGCGCCTGGCTGGCCGGCCGCCCCGAGCG-3'
Protein context (NP_000398.1, residues 80-100): ALRTAHLGAN[Pro90Arg]WRCDCRLVPL